The following is an entry in ClinVar:

ClinVar aggregate classification (germline): Uncertain significance (1 of 4 stars; one submission).

Conditions:
Cardiomyopathy (CMYO). Also called: Cardiomyopathies. Identifiers: Orphanet 167848, MedGen C0878544, MONDO:0004994, HP:0001638. Inheritance: Various modes of inheritance.

Allele frequency attached by ClinVar (database versions not stated): gnomAD exomes below 0.00001; gnomAD 0.00001.
gnomAD v4.1: 6 of 1,613,140 alleles (0.00037%); highest among the groups gnomAD compares: Non-Finnish European, 0.00051%; no homozygotes.

Submission:

Color Diagnostics, LLC DBA Color Health
Classification: Uncertain significance for Cardiomyopathy. Last evaluated: 2024-03-06. Review status: criteria provided, single submitter. Criteria: ACMG Guidelines, 2015. Collection method: clinical testing. Allele origin: germline.
Comment: This missense variant replaces lysine with arginine at codon 3784 of the RYR2 protein. Computational prediction is inconclusive regarding the impact of this variant on protein structure and function (internally defined REVEL score threshold 0.5 < inconclusive < 0.7, PMID: 27666373). To our knowledge, functional studies have not been reported for this variant. This variant has not been reported in individuals affected with cardiovascular disorders in the literature. This variant has been identified in 1/248938 chromosomes in the general population by the Genome Aggregation Database (gnomAD). The available evidence is insufficient to determine the role of this variant in disease conclusively. Therefore, this variant is classified as a Variant of Uncertain Significance.

NM_001035.3(RYR2):c.11351A>G (p.Lys3784Arg)

Gene: RYR2 (ryanodine receptor 2; plus strand). Cytogenetic location: 1q43.
Variant type: single nucleotide variant.
Coding change: c.11351A>G on transcript NM_001035.3 (MANE Select); coding-DNA position 11351, A replaced by G.
Protein change: p.Lys3784Arg; replaces lysine 3784 with arginine.
Molecular consequence: missense variant.
Genome position (GRCh38, 1-based): chr1:237,759,801, A>G. VCF-style: chr1-237759801-A-G. GRCh37 (hg19) VCF-style: chr1-237923101-A-G.
Other names: short protein forms K3784R.
Identifiers: ClinVar variation 1332107 (VCV001332107.4), dbSNP rs1382429252, ClinGen allele CA345428571.